The following is an entry in ClinVar:

NM_000210.4(ITGA6):c.1452C>T (p.Arg484=)

Genes: PDK1-AS1 (PDK1 and ITGA6 antisense RNA 1; minus strand), ITGA6 (integrin subunit alpha 6; plus strand). Cytogenetic location: 2q31.1.
Variant type: single nucleotide variant.
Coding change: c.1452C>T on transcript NM_000210.4 (MANE Select); coding-DNA position 1452, C replaced by T.
Protein change: p.Arg484=; no amino-acid change (arginine 484 retained).
Molecular consequence: synonymous variant.
Genome position (GRCh38, 1-based): chr2:172,479,704, C>T. VCF-style: chr2-172479704-C-T. GRCh37 (hg19) VCF-style: chr2-173344432-C-T.
Other names: c.1452C>T, p.Arg484= (NM_001079818.3, NM_001365529.2, NM_001365530.2); c.1095C>T, p.Arg365= (NM_001316306.2); c.1569C>T, p.Arg523= (NM_001394928.1); c.1452C>T (NM_000210.3).
Identifiers: ClinVar variation 2723582 (VCV002723582.5), dbSNP rs779091784, ClinGen allele CA1968132.
Genomic context (GRCh38, chr2:172,479,704, plus strand): 5'-CCGGCCTGTGATTAATATTCAGAAAACCATCACAGTAACTCCTAACAGAATTGACCTCCG[C>T]CAGAAAACAGCGTGTGGGGCGCCTAGTGGGATATGGTGAGCATCCCTCTGTCTTGGTGGG-3'
Protein context (NP_000201.2, residues 474-494): ITVTPNRIDL[Arg484=]QKTACGAPSG

ClinVar aggregate classification (germline): Likely benign. Review status: criteria provided, single submitter (1 of 4 stars). 2 submissions from 2 submitters: Likely benign (1). 1 of the submissions does not count toward it. Last evaluated 2023-10-19.

Conditions:
ITGA6-related disorder. Also called: ITGA6-related condition.

Allele frequency attached by ClinVar (database versions not stated): gnomAD 0.00002; gnomAD exomes 0.00003; ExAC 0.00005.
gnomAD v4.1: 52 of 1,613,782 alleles (0.0032%); highest among the groups gnomAD compares: South Asian, 0.055%; 2 homozygotes.

Submissions (2):

Labcorp Genetics (formerly Invitae), Labcorp
Classification: Likely benign. Last evaluated: 2023-10-19. Review status: criteria provided, single submitter. Criteria: Invitae Variant Classification Sherloc (09022015). Collection method: clinical testing. Allele origin: germline.

PreventionGenetics, part of Exact Sciences
Classification: Likely benign for ITGA6-related condition. Last evaluated: 2021-03-22. Review status: no assertion criteria provided. Collection method: clinical testing. Allele origin: germline. Not counted in ClinVar's aggregate classification.
Comment: This variant is classified as likely benign based on ACMG/AMP sequence variant interpretation guidelines (Richards et al. 2015 PMID: 25741868, with internal and published modifications).